The following is an entry in ClinVar:

NM_002693.3(POLG):c.2244G>T (p.Trp748Cys)

Gene: POLG (DNA polymerase gamma, catalytic subunit; minus strand). Cytogenetic location: 15q26.1.
Variant type: single nucleotide variant.
Coding change: c.2244G>T on transcript NM_002693.3 (MANE Select); coding-DNA position 2244, G replaced by T.
Protein change: p.Trp748Cys; replaces tryptophan 748 with cysteine.
Molecular consequence: missense variant.
Genome position (GRCh38, 1-based): chr15:89,323,425, C>A on the plus strand (G>T on the coding strand, the complement: POLG is on the minus strand). VCF-style: chr15-89323425-C-A. GRCh37 (hg19) VCF-style: chr15-89866656-C-A.
Other names: c.2244G>T, p.Trp748Cys (NM_001126131.2); short protein forms W748C.
Identifiers: ClinVar variation 2577378 (VCV002577378.1), dbSNP rs2509229969, ClinGen allele CA393756667.

ClinVar aggregate classification (germline): Uncertain significance (1 of 4 stars; one submission).

Submission:

Women's Health and Genetics/Laboratory Corporation of America, LabCorp
Classification: Uncertain significance. Last evaluated: 2023-07-19. Review status: criteria provided, single submitter. Criteria: LabCorp Variant Classification Summary - May 2015. Collection method: clinical testing. Allele origin: germline.
Comment: Variant summary: POLG c.2244G>T (p.Trp748Cys) results in a non-conservative amino acid change in the encoded protein sequence. Four of five in-silico tools predict a damaging effect of the variant on protein function. The variant was absent in 251290 control chromosomes. c.2244G>T has been reported in the literature in trans with POLG c.925C>T (p.Arg309Cys) in one individual affected with POLG Related Mitochondrial DNA Depletion Syndrome (Lam_2015). This variant was also reported in a compound heterozygous state with c.3125dup (p.Val1043Glyfs*4) in one individual, however, no phenotypic data was provided in this case (Stefann_2017). Additionally, other variants at the Trp748 residue have been reported as associated with disease (p.Trp748Ser), suggesting that this codon is functionally important. To our knowledge, no experimental evidence demonstrating an impact on protein function has been reported. The following publications have been ascertained in the context of this evaluation (PMID: 26169155, 28069933). No submitters have cited clinical-significance assessments for this variant to ClinVar after 2014. Based on the evidence outlined above, the variant was classified as VUS-possibly pathogenic.

Literature cited by the submitters: PubMed 26169155; PubMed 28069933.